The following is an entry in ClinVar:

NM_007129.5(ZIC2):c.92C>A (p.Ala31Asp)

Gene: ZIC2 (Zic family member 2; plus strand). Cytogenetic location: 13q32.3.
Variant type: single nucleotide variant.
Coding change: c.92C>A on transcript NM_007129.5 (MANE Select); coding-DNA position 92, C replaced by A.
Protein change: p.Ala31Asp; replaces alanine 31 with aspartic acid.
Molecular consequence: missense variant.
Genome position (GRCh38, 1-based): chr13:99,982,156, C>A. VCF-style: chr13-99982156-C-A. GRCh37 (hg19) VCF-style: chr13-100634410-C-A.
Other names: short protein forms A31D.
Identifiers: ClinVar variation 2629921 (VCV002629921.1), dbSNP rs1262984987, ClinGen allele CA388636536.

ClinVar aggregate classification (germline): Uncertain significance (1 of 4 stars; one submission).

Conditions:
ZIC2-related disorder. Also called: ZIC2-related condition.

Submission:

PreventionGenetics, part of Exact Sciences
Classification: Uncertain significance for ZIC2-related condition. Last evaluated: 2022-12-20. Review status: criteria provided, single submitter. Criteria: ACMG Guidelines, 2015. Collection method: clinical testing. Allele origin: germline.
Comment: The ZIC2 c.92C>A variant is predicted to result in the amino acid substitution p.Ala31Asp. To our knowledge, this variant has not been reported in the literature or in a large population database, indicating this variant is rare. At this time, the clinical significance of this variant is uncertain due to the absence of conclusive functional and genetic evidence.